The following is an entry in ClinVar:

NM_000526.5(KRT14):c.163T>C (p.Ser55Pro)

Gene: KRT14 (keratin 14; minus strand). Cytogenetic location: 17q21.2.
Variant type: single nucleotide variant.
Coding change: c.163T>C on transcript NM_000526.5 (MANE Select); coding-DNA position 163, T replaced by C.
Protein change: p.Ser55Pro; replaces serine 55 with proline.
Molecular consequence: missense variant.
Genome position (GRCh38, 1-based): chr17:41,586,672, A>G on the plus strand (T>C on the coding strand, the complement: KRT14 is on the minus strand). VCF-style: chr17-41586672-A-G. GRCh37 (hg19) VCF-style: chr17-39742924-A-G.
Other names: short protein forms S55P.
Identifiers: ClinVar variation 1499780 (VCV001499780.8), dbSNP rs2144586557, ClinGen allele CA399483236.

ClinVar aggregate classification (germline): Uncertain significance (1 of 4 stars; one submission).

Submission:

Labcorp Genetics (formerly Invitae), Labcorp
Classification: Uncertain significance. Last evaluated: 2022-07-11. Review status: criteria provided, single submitter. Criteria: Invitae Variant Classification Sherloc (09022015). Collection method: clinical testing. Allele origin: germline.
Comment: In summary, the available evidence is currently insufficient to determine the role of this variant in disease. Therefore, it has been classified as a Variant of Uncertain Significance. Advanced modeling of protein sequence and biophysical properties (such as structural, functional, and spatial information, amino acid conservation, physicochemical variation, residue mobility, and thermodynamic stability) performed at Invitae indicates that this missense variant is not expected to disrupt KRT14 protein function. ClinVar contains an entry for this variant (Variation ID: 1499780). This variant has not been reported in the literature in individuals affected with KRT14-related conditions. This variant is not present in population databases (gnomAD no frequency). This sequence change replaces serine, which is neutral and polar, with proline, which is neutral and non-polar, at codon 55 of the KRT14 protein (p.Ser55Pro).